The following is an entry in ClinVar:

NM_170784.3(MKKS):c.1553G>A (p.Arg518His)

Gene: MKKS (MKKS centrosomal shuttling protein; minus strand). Cytogenetic location: 20p12.2.
Variant type: single nucleotide variant.
Coding change: c.1553G>A on transcript NM_170784.3 (MANE Select); coding-DNA position 1553, G replaced by A.
Protein change: p.Arg518His; replaces arginine 518 with histidine.
Molecular consequence: missense variant. On other transcripts: non-coding transcript variant (1).
Genome position (GRCh38, 1-based): chr20:10,405,407, C>T on the plus strand (G>A on the coding strand, the complement: MKKS is on the minus strand). VCF-style: chr20-10405407-C-T. GRCh37 (hg19) VCF-style: chr20-10386055-C-T.
Other names: c.1553G>A, p.Arg518His (NM_018848.3); short protein forms R518H.
Identifiers: ClinVar variation 215903 (VCV000215903.48), dbSNP rs149051148, ClinGen allele CA338007.
Genomic context (GRCh38, chr20:10,405,407, plus strand): 5'-GTCAGGTTGCTGGCTGAGCCCACAGCTTCATGTGGAAGGCAGCTTTGTGGCACAAATGGA[C>T]GACGTGTGCTTCTTAAGAAAGACCAGTTGAGTTCTTCCTGGCTATTGTATAATCCACAGC-3'
Protein context (NP_740754.1, residues 508-528): LNWSFLRSTR[Arg518His]PFVPQSCLPH

ClinVar aggregate classification (germline): Conflicting classifications of pathogenicity. Review status: criteria provided, conflicting classifications (1 of 4 stars). 12 submissions from 11 submitters: Uncertain significance (4); Benign (1); Likely benign (2). 5 of the submissions do not count toward it. Last evaluated 2026-08-19.

Conditions:
MKKS-related disorder. Also called: MKKS-related condition; MKKS-related disorders.
McKusick-Kaufman syndrome (MKKS). Also called: HYDROMETROCOLPOS SYNDROME; HYDROMETROCOLPOS, POSTAXIAL POLYDACTYLY, AND CONGENITAL HEART MALFORMATION. Identifiers: Orphanet 2473, MedGen C0948368, MONDO:0009367, OMIM 236700.
Bardet-Biedl syndrome (BBS). Identifiers: Orphanet 110, MedGen C0752166, MONDO:0015229.
Bardet-Biedl syndrome 6 (BBS6). Identifiers: Orphanet 110, MedGen C1858054, MONDO:0011523, OMIM 605231.

Allele frequency attached by ClinVar (database versions not stated): ESP Exome Variant Server 0.00008; gnomAD 0.00014 and 0.00017; TOPMed 0.00017; gnomAD exomes 0.00027 and 0.00031; ExAC 0.00032; 1000 Genomes Project 0.00060; 1000 Genomes Project 30x 0.00078.

Submissions (12):

PreventionGenetics, part of Exact Sciences
Classification: Uncertain significance for MKKS-related condition. Last evaluated: 2026-08-19. Review status: criteria provided, single submitter. Criteria: ACMG Guidelines, 2015. Collection method: clinical testing. Allele origin: germline.
Comment: The MKKS c.1553G>A variant is predicted to result in the amino acid substitution p.Arg518His. This variant was reported in one patient with Bardet-Biedl syndrome (Beales et al. 2001. PubMed ID: 11179009). Functional studies suggest that the p.Arg518His variant does not increase protein degradation or solubility (Hirayama et al. 2008. PubMed ID: 18094050). In another study, the p.Arg518His variant is predicted to be benign (Zaghloul et al. 2010. PubMed ID: 20498079, reported as BBS6 p.Arg518His, Table S5). This variant is reported in 0.070% of alleles in individuals of East Asian descent in gnomAD, which is likely too frequent to be a primary cause of disease. In ClinVar, this variant has classifications of benign, likely benign, and uncertain significance. Although we suspect that this variant may be benign, the clinical significance of this variant is uncertain due to the absence of conclusive functional and genetic evidence.

Labcorp Genetics (formerly Invitae), Labcorp
Classification: Likely benign for McKusick-Kaufman syndrome; Bardet-Biedl syndrome. Last evaluated: 2026-01-20. Review status: criteria provided, single submitter. Criteria: Invitae Variant Classification Sherloc (09022015). Collection method: clinical testing. Allele origin: germline.

Blueprint Genetics
Classification: Likely benign. Last evaluated: 2024-11-22. Review status: criteria provided, single submitter. Criteria: ACMG Guidelines, 2015. Collection method: clinical testing. Allele origin: germline.

CeGaT Center for Human Genetics Tuebingen
Classification: Uncertain significance. Last evaluated: 2024-01-01. Review status: criteria provided, single submitter. Criteria: CeGaT Center For Human Genetics Tuebingen Variant Classification Criteria Version 2. Collection method: clinical testing. Allele origin: germline. Affected: yes. Observed: 1 variant allele.
Comment: MKKS: PM2, BP4

Mendelics
Classification: Benign for McKusick-Kaufman syndrome. Last evaluated: 2019-05-28. Review status: criteria provided, single submitter. Criteria: Mendelics Assertion Criteria 2017. Collection method: clinical testing. Allele origin: unknown.

Illumina Laboratory Services, Illumina
Classification: Uncertain significance for Bardet-Biedl syndrome 6. Last evaluated: 2017-04-27. Review status: criteria provided, single submitter. Criteria: ICSL Variant Classification Criteria 13 December 2019. Collection method: clinical testing. Allele origin: germline.
Comment: This variant was observed as part of a predisposition screen in an ostensibly healthy population. A literature search was performed for the gene, cDNA change, and amino acid change (where applicable). Publications were found based on this search. However, the evidence from the literature, in combination with allele frequency data from public databases where available, was not sufficient to rule this variant in or out of causing disease. Therefore, this variant is classified as a variant of unknown significance.

Illumina Laboratory Services, Illumina
Classification: Uncertain significance for McKusick-Kaufman syndrome. Last evaluated: 2017-04-27. Review status: criteria provided, single submitter. Criteria: ICSL Variant Classification Criteria 13 December 2019. Collection method: clinical testing. Allele origin: germline.
Comment: the same text as in the submission from Illumina Laboratory Services, Illumina above.

Gharavi Laboratory, Columbia University
Classification: Likely benign. Last evaluated: 2018-09-16. Review status: no assertion criteria provided. Criteria: ACMG Guidelines, 2015. Collection method: research. Allele origin: germline. Affected: no. Not counted in ClinVar's aggregate classification.

Clinical Genetics DNA and cytogenetics Diagnostics Lab, Erasmus MC, Erasmus Medical Center
Classification: Likely benign. Review status: no assertion criteria provided. Collection method: clinical testing. Allele origin: germline. Affected: yes. Study: VKGL Data-share Consensus. Not counted in ClinVar's aggregate classification.

Clinical Genetics, Academic Medical Center
Classification: Benign. Review status: no assertion criteria provided. Collection method: clinical testing. Allele origin: germline. Affected: yes. Study: VKGL Data-share Consensus. Not counted in ClinVar's aggregate classification.

Department of Pathology and Laboratory Medicine, Sinai Health System
Classification: Likely benign. Review status: no assertion criteria provided. Collection method: clinical testing. Allele origin: unknown. Affected: yes. Study: The Canadian Open Genetics Repository (COGR). Not counted in ClinVar's aggregate classification.
Comment: The MKKS p.Arg518His variant was identified in 1 of 163 pedigrees with Bardet-Biedl syndrome (Beales_2001_PMID:11179009). The variant was also identified in dbSNP (ID: rs149051148), ClinVar (classified as likely benign by Invitae) and LOVD 3.0 (classified as likely benign and benign). The variant was identified in control databases in 82 of 282826 chromosomes at a frequency of 0.00029 (Genome Aggregation Database Feb 27, 2017). The variant was observed in the following populations: East Asian in 14 of 19954 chromosomes (freq: 0.000702), European (non-Finnish) in 54 of 129138 chromosomes (freq: 0.000418), South Asian in 10 of 30616 chromosomes (freq: 0.000327) and Latino in 4 of 35430 chromosomes (freq: 0.000113), while the variant was not observed in the African, Ashkenazi Jewish, European (Finnish), and Other populations. Functional studies of the R518H variant show no effect on the protein compared to wildtype (Hirayama_2008_PMID:18094050; Zaghloul_2010_PMID:20498079). The p.Arg518 residue is not conserved in mammals and computational analyses (PolyPhen-2, SIFT, AlignGVGD, BLOSUM, MutationTaster) do not suggest a high likelihood of impact to the protein; however, this information is not predictive enough to rule out pathogenicity. The variant occurs outside of the splicing consensus sequence and in silico or computational prediction software programs (SpliceSiteFinder, MaxEntScan, NNSPLICE, and GeneSplicer) do not predict a difference in splicing. In summary, based on the above information the clinical significance of this variant cannot be determined with certainty at this time although we would lean towards a more benign role for this variant. This variant is classified as likely benign.

Genome Diagnostics Laboratory, University Medical Center Utrecht
Classification: Likely benign. Review status: no assertion criteria provided. Collection method: clinical testing. Allele origin: germline. Affected: yes. Study: VKGL Data-share Consensus. Not counted in ClinVar's aggregate classification.

Literature cited by the submitters: PubMed 18094050 (cited by Illumina Laboratory Services, Illumina); PubMed 11179009 (cited by Illumina Laboratory Services, Illumina); PubMed 20498079 (cited by Illumina Laboratory Services, Illumina).